The following is an entry in ClinVar:

ClinVar aggregate classification (germline): Uncertain significance (1 of 4 stars; one submission).

Conditions:
Emery-Dreifuss muscular dystrophy (EDMD). Also called: Scapuloperoneal syndrome, X-linked (formerly); Humeroperoneal neuromuscular disease, (formerly). Identifiers: Orphanet 261, MedGen C0410189, MONDO:0016830.

Allele frequency attached by ClinVar (database versions not stated): gnomAD 0.00001; ExAC 0.00002; ESP Exome Variant Server 0.00008.
gnomAD v4.1: 25 of 1,612,954 alleles (0.0015%); highest among the groups gnomAD compares: South Asian, 0.0077%; no homozygotes.

Submission:

Labcorp Genetics (formerly Invitae), Labcorp
Classification: Uncertain significance for Emery-Dreifuss muscular dystrophy. Last evaluated: 2024-01-20. Review status: criteria provided, single submitter. Criteria: Invitae Variant Classification Sherloc (09022015). Collection method: clinical testing. Allele origin: germline.
Comment: This sequence change replaces threonine, which is neutral and polar, with methionine, which is neutral and non-polar, at codon 683 of the SUN2 protein (p.Thr683Met). This variant is present in population databases (rs375420471, gnomAD 0.01%). This variant has not been reported in the literature in individuals affected with SUN2-related conditions. Algorithms developed to predict the effect of missense changes on protein structure and function output the following: SIFT: "Not Available"; PolyPhen-2: "Benign"; Align-GVGD: "Not Available". The methionine amino acid residue is found in multiple mammalian species, which suggests that this missense change does not adversely affect protein function. In summary, the available evidence is currently insufficient to determine the role of this variant in disease. Therefore, it has been classified as a Variant of Uncertain Significance.

NM_015374.3(SUN2):c.2048C>T (p.Thr683Met)

Genes: GTPBP1 (GTP binding protein 1; plus strand), SUN2 (Sad1 and UNC84 domain containing 2; minus strand). Cytogenetic location: 22q13.1.
Variant type: single nucleotide variant.
Coding change: c.2048C>T on transcript NM_015374.3 (MANE Select); coding-DNA position 2048, C replaced by T.
Protein change: p.Thr683Met; replaces threonine 683 with methionine.
Molecular consequence: missense variant.
Genome position (GRCh38, 1-based): chr22:38,736,373, G>A on the plus strand (C>T on the coding strand, the complement: SUN2 is on the minus strand). VCF-style: chr22-38736373-G-A. GRCh37 (hg19) VCF-style: chr22-39132378-G-A.
Other names: c.2111C>T, p.Thr704Met (NM_001199579.2, NM_001394428.1); c.2048C>T, p.Thr683Met (NM_001199580.2, NM_001394432.1, NM_001394433.1 and 2 more transcripts); c.2141C>T, p.Thr714Met (NM_001394427.1); c.2093C>T, p.Thr698Met (NM_001394429.1, NM_001394430.1); c.2045C>T, p.Thr682Met (NM_001394436.1, NM_001394437.1); c.1958C>T, p.Thr653Met (NM_001394438.1); c.1910C>T, p.Thr637Met (NM_001394439.1, NM_001394440.1, NM_001394441.1); c.1649C>T, p.Thr550Met (NM_001394442.1); and 2 more; short protein forms T491M, T637M, T698M, T704M, T519M, T550M, T714M, T653M.
Identifiers: ClinVar variation 2866330 (VCV002866330.3), dbSNP rs375420471, ClinGen allele CA10235315.
Genomic context (GRCh38, chr22:38,736,373, plus strand): 5'-TACTCGGGGTGGCCCCAGTTAGTCAGGATCCGCAGCTCCACCACCTGGTACGTGGCCATC[G>A]TAGGGGCCTGGGTAGAGAAGAAAGGGATTAAGAGCATCAGAGACCTGTGAGGCCTCACTG-3'
Protein context (NP_056189.1, residues 673-693): PIQTFHFQAP[Thr683Met]MATYQVVELR